The following is an entry in ClinVar:

NM_015073.3(SIPA1L3):c.4220C>T (p.Ser1407Leu)

Gene: SIPA1L3 (signal induced proliferation associated 1 like 3; plus strand). Cytogenetic location: 19q13.13.
Variant type: single nucleotide variant.
Coding change: c.4220C>T on transcript NM_015073.3 (MANE Select); coding-DNA position 4220, C replaced by T.
Protein change: p.Ser1407Leu; replaces serine 1407 with leucine.
Molecular consequence: missense variant.
Genome position (GRCh38, 1-based): chr19:38,182,530, C>T. VCF-style: chr19-38182530-C-T. GRCh37 (hg19) VCF-style: chr19-38673170-C-T.
Other names: short protein forms S1407L.
Identifiers: ClinVar variation 1972591 (VCV001972591.5), dbSNP rs866641225, ClinGen allele CA308060461.

ClinVar aggregate classification (germline): Uncertain significance (1 of 4 stars; one submission).

Allele frequency attached by ClinVar (database versions not stated): gnomAD exomes below 0.00001; gnomAD 0.00002; TOPMed 0.00002.
gnomAD v4.1: 10 of 1,608,206 alleles (0.00062%); highest among the groups gnomAD compares: East Asian, 0.0022%; no homozygotes.

Submission:

Labcorp Genetics (formerly Invitae), Labcorp
Classification: Uncertain significance. Last evaluated: 2024-01-17. Review status: criteria provided, single submitter. Criteria: Invitae Variant Classification Sherloc (09022015). Collection method: clinical testing. Allele origin: germline.
Comment: This sequence change replaces serine, which is neutral and polar, with leucine, which is neutral and non-polar, at codon 1407 of the SIPA1L3 protein (p.Ser1407Leu). This variant is present in population databases (no rsID available, gnomAD 0.007%). This variant has not been reported in the literature in individuals affected with SIPA1L3-related conditions. ClinVar contains an entry for this variant (Variation ID: 1972591). An algorithm developed to predict the effect of missense changes on protein structure and function (PolyPhen-2) suggests that this variant is likely to be tolerated. In summary, the available evidence is currently insufficient to determine the role of this variant in disease. Therefore, it has been classified as a Variant of Uncertain Significance.